The following is an entry in ClinVar:

NM_003873.7(NRP1):c.259G>A (p.Val87Met)

Gene: NRP1 (neuropilin 1; minus strand). Cytogenetic location: 10p11.22.
Variant type: single nucleotide variant.
Coding change: c.259G>A on transcript NM_003873.7 (MANE Select); coding-DNA position 259, G replaced by A.
Protein change: p.Val87Met; replaces valine 87 with methionine.
Molecular consequence: missense variant.
Genome position (GRCh38, 1-based): chr10:33,270,846, C>T on the plus strand (G>A on the coding strand, the complement: NRP1 is on the minus strand). VCF-style: chr10-33270846-C-T. GRCh37 (hg19) VCF-style: chr10-33559774-C-T.
Other names: c.259G>A, p.Val87Met (NM_001024629.3, NM_001244972.2, NM_001244973.2 and 2 more transcripts); short protein forms V87M.
Identifiers: ClinVar variation 3351066 (VCV003351066.2).

ClinVar aggregate classification (germline): Uncertain significance (1 of 4 stars; one submission).

Conditions:
NRP1-related disorder. Also called: NRP1-related condition.

gnomAD v4.1: 57 of 1,609,732 alleles (0.0035%); highest among the groups gnomAD compares: East Asian, 0.087%; no homozygotes.

Submission:

PreventionGenetics, part of Exact Sciences
Classification: Uncertain significance for NRP1-related condition. Last evaluated: 2026-09-21. Review status: criteria provided, single submitter. Criteria: ACMG Guidelines, 2015. Collection method: clinical testing. Allele origin: germline.
Comment: The NRP1 c.259G>A variant is predicted to result in the amino acid substitution p.Val87Met. To our knowledge, this variant has not been reported in the literature. This variant is reported in 0.011% of alleles in individuals of East Asian descent in gnomAD. At this time, the clinical significance of this variant is uncertain due to the absence of conclusive functional and genetic evidence.